The following is an entry in ClinVar:

ClinVar aggregate classification (germline): Benign. Review status: criteria provided, multiple submitters, no conflicts (2 of 4 stars). 4 submissions from 4 submitters: Benign (3). 1 of the submissions does not count toward it. Last evaluated 2019-03-07.

Conditions:
DNAH17-related disorder. Also called: DNAH17-related condition.

Allele frequency attached by ClinVar (database versions not stated): gnomAD 0.62420 and 0.63995; ESP Exome Variant Server 0.63510; TOPMed 0.64903; 1000 Genomes Project 0.65435; 1000 Genomes Project 30x 0.65678.
gnomAD v4.1: 1,058,054 of 1,613,636 alleles (66%); highest among the groups gnomAD compares: Admixed American, 79%; 348,728 homozygotes.

Submissions (4):

GeneDx
Classification: Benign. Last evaluated: 2019-03-07. Review status: criteria provided, single submitter. Criteria: GeneDx Variant Classification Process June 2021. Collection method: clinical testing. Allele origin: germline. Affected: yes.

Laboratory for Molecular Medicine, Mass General Brigham Personalized Medicine
Classification: Benign. Last evaluated: 2016-03-29. Review status: criteria provided, single submitter. Criteria: LMM Criteria. Collection method: clinical testing. Allele origin: germline.
Comment: Variant identified in a genome or exome case(s) and assessed due to predicted null impact of the variant or pathogenic assertions in the literature or databases. Disclaimer: This variant has not undergone full assessment. The following are preliminary notes: Frequency

Breakthrough Genomics
Classification: Benign. Review status: criteria provided, single submitter. Criteria: ACMG Guidelines, 2015. Collection method: not provided. Allele origin: germline. Inheritance: Autosomal recessive inheritance. Affected: yes.

PreventionGenetics, part of Exact Sciences
Classification: Benign for DNAH17-related condition. Last evaluated: 2019-10-17. Review status: no assertion criteria provided. Collection method: clinical testing. Allele origin: germline. Not counted in ClinVar's aggregate classification.
Comment: This variant is classified as benign based on ACMG/AMP sequence variant interpretation guidelines (Richards et al. 2015 PMID: 25741868, with internal and published modifications).

NM_173628.4(DNAH17):c.6975T>C (p.Ile2325=)

Genes: DNAH17 (dynein axonemal heavy chain 17; minus strand), DNAH17-AS1 (DNAH17 antisense RNA 1; plus strand). Cytogenetic location: 17q25.3.
Variant type: single nucleotide variant.
Coding change: c.6975T>C on transcript NM_173628.4 (MANE Select); coding-DNA position 6975, T replaced by C.
Protein change: p.Ile2325=; no amino-acid change (isoleucine 2325 retained).
Molecular consequence: synonymous variant.
Genome position (GRCh38, 1-based): chr17:78,486,350, A>G on the plus strand (T>C on the coding strand, the complement: DNAH17 is on the minus strand). VCF-style: chr17-78486350-A-G. GRCh37 (hg19) VCF-style: chr17-76482432-A-G.
Identifiers: ClinVar variation 402681 (VCV000402681.10), dbSNP rs691151, ClinGen allele CA8802529.
Genomic context (GRCh38, chr17:78,486,350, plus strand): 5'-CTCCCTGGGGGAGTCGGGGGGCACGGTCTTCTCCGTGAGCAGGCACTCCAGCAGGTACAG[A>G]ATCGTTTGGATCACCGTGATCTCCGGCACTGGCGTGATCTTCTTGAACCCAAAGCGCAAC-3'
Protein context (NP_775899.3, residues 2315-2335): PVPEITVIQT[Ile2325=]LYLLECLLTE